The following is an entry in ClinVar:

NM_003235.5(TG):c.3001+6T>G

Gene: TG (thyroglobulin; plus strand). Cytogenetic location: 8q24.22.
Variant type: single nucleotide variant.
Coding change: c.3001+6T>G on transcript NM_003235.5 (MANE Select); 6 bases into the intron after coding-DNA position 3001, T replaced by G.
Molecular consequence: intron variant.
Genome position (GRCh38, 1-based): chr8:132,893,935, T>G. VCF-style: chr8-132893935-T-G. GRCh37 (hg19) VCF-style: chr8-133906180-T-G.
Identifiers: ClinVar variation 908084 (VCV000908084.5), dbSNP rs372517082, ClinGen allele CA4883567.

ClinVar aggregate classification (germline): Uncertain significance. Review status: criteria provided, multiple submitters, no conflicts (2 of 4 stars). 2 submissions from 2 submitters: Uncertain significance (2). Last evaluated 2023-07-19.

Conditions:
TG-related disorder. Also called: TG-related condition; TG-related disorders.
Iodotyrosyl coupling defect (TDH3). Also called: THYROID HORMONOGENESIS, GENETIC DEFECT IN, 3; HYPOTHYROIDISM, CONGENITAL, DUE TO DYSHORMONOGENESIS, 3. Identifiers: Orphanet 95716, MedGen C0342194, MONDO:0010135, OMIM 274700.

Allele frequency attached by ClinVar (database versions not stated): ESP Exome Variant Server 0.00015; gnomAD 0.00025 and 0.00024; TOPMed 0.00022.
gnomAD v4.1: 606 of 1,613,858 alleles (0.038%); highest among the groups gnomAD compares: Middle Eastern, 0.066%; no homozygotes.

Submissions (2):

PreventionGenetics, part of Exact Sciences
Classification: Uncertain significance for TG-related condition. Last evaluated: 2023-07-19. Review status: criteria provided, single submitter. Criteria: ACMG Guidelines, 2015. Collection method: clinical testing. Allele origin: germline.
Comment: The TG c.3001+6T>G variant is predicted to interfere with splicing. This variant was reported in an individual with congenital hypothyroidism; however, no additional details were provided (referred to as IVS11+6bp T>G in Table S2 of de Filippis et al. 2017. PubMed ID: 28444304). This variant is reported in 0.034% of alleles in individuals of European (Non-Finnish) descent in gnomAD. At this time, the clinical significance of this variant is uncertain due to the absence of conclusive functional and genetic evidence.

Illumina Laboratory Services, Illumina
Classification: Uncertain significance for Iodotyrosyl coupling defect. Last evaluated: 2018-01-13. Review status: criteria provided, single submitter. Criteria: ICSL Variant Classification Criteria 13 December 2019. Collection method: clinical testing. Allele origin: germline.